The following is an entry in ClinVar:

NM_001709.5(BDNF):c.375G>T (p.Arg125Ser)

Genes: BDNF (brain derived neurotrophic factor; minus strand), BDNF-AS (BDNF antisense RNA; plus strand). Cytogenetic location: 11p14.1.
Variant type: single nucleotide variant.
Coding change: c.375G>T on transcript NM_001709.5 (MANE Select); coding-DNA position 375, G replaced by T.
Protein change: p.Arg125Ser; replaces arginine 125 with serine.
Molecular consequence: missense variant.
Genome position (GRCh38, 1-based): chr11:27,658,190, C>A on the plus strand (G>T on the coding strand, the complement: BDNF is on the minus strand). VCF-style: chr11-27658190-C-A. GRCh37 (hg19) VCF-style: chr11-27679737-C-A.
Other names: c.375G>T, p.Arg125Ser (NM_001143805.1, NM_001143806.1, NM_001143807.2 and 9 more transcripts); c.462G>T, p.Arg154Ser (NM_001143809.2); c.621G>T, p.Arg207Ser (NM_001143810.2); c.399G>T, p.Arg133Ser (NM_170731.5); c.420G>T, p.Arg140Ser (NM_170734.4); short protein forms R133S, R125S, R140S, R154S, R207S.
Identifiers: ClinVar variation 4983061 (VCV004983061.1).

ClinVar aggregate classification (germline): Uncertain significance (1 of 4 stars; one submission).

Conditions:
BDNF-related disorder. Also called: BDNF-related condition.

Submission:

PreventionGenetics, part of Exact Sciences
Classification: Uncertain significance for BDNF-related condition. Last evaluated: 2026-06-19. Review status: criteria provided, single submitter. Criteria: ACMG Guidelines, 2015. Collection method: clinical testing. Allele origin: germline.
Comment: The BDNF c.621G>T variant is predicted to result in the amino acid substitution p.Arg207Ser. To our knowledge, this variant has not been reported in the literature or in a large population database (gnomAD), indicating this variant is rare. At this time, the clinical significance of this variant is uncertain due to the absence of conclusive functional and genetic evidence.